The following is an entry in ClinVar:

NM_000271.5(NPC1):c.94_97dup (p.Ile33fs)

Gene: NPC1 (NPC intracellular cholesterol transporter 1; minus strand). Cytogenetic location: 18q11.2.
Variant type: Duplication.
Coding change: c.94_97dup on transcript NM_000271.5 (MANE Select); coding-DNA positions 94 to 97, 4 bases duplicated (GGAA; older notation c.94_97dupGGAA).
Protein change: p.Ile33fs; shifts the reading frame from isoleucine 33.
Molecular consequence: frameshift variant.
Genome position (GRCh38, 1-based): chr18:23,573,535-23,573,538, TTCC duplicated on the plus strand (GGAA on the coding strand, the reverse complement: NPC1 is on the minus strand). VCF-style (leftmost placement, unchanged base first): chr18-23573534-A-ATTCC. GRCh37 (hg19) VCF-style: chr18-21153498-A-ATTCC.
Other names: short protein forms I33fs.
Identifiers: ClinVar variation 1400853 (VCV001400853.6), dbSNP rs2145552247, ClinGen allele CA2573155251.

ClinVar aggregate classification (germline): Pathogenic (1 of 4 stars; one submission).

Conditions:
Niemann-Pick disease, type C1. Also called: NIEMANN-PICK DISEASE, VARIANT TYPE C1; NEUROVISCERAL STORAGE DISEASE WITH VERTICAL SUPRANUCLEAR OPHTHALMOPLEGIA; NIEMANN-PICK DISEASE WITH CHOLESTEROL ESTERIFICATION BLOCK; NIEMANN-PICK DISEASE WITHOUT SPHINGOMYELINASE DEFICIENCY; NIEMANN-PICK DISEASE, CHRONIC NEURONOPATHIC FORM. Identifiers: Orphanet 646, MedGen C3179455, MONDO:0009757, OMIM 257220.

Submission:

Labcorp Genetics (formerly Invitae), Labcorp
Classification: Pathogenic for Niemann-Pick disease, type C1. Last evaluated: 2021-08-31. Review status: criteria provided, single submitter. Criteria: Invitae Variant Classification Sherloc (09022015). Collection method: clinical testing. Allele origin: germline.
Comment: This sequence change creates a premature translational stop signal (p.Ile33Argfs*26) in the NPC1 gene. It is expected to result in an absent or disrupted protein product. Loss-of-function variants in NPC1 are known to be pathogenic (PMID: 9211850). This variant is not present in population databases (ExAC no frequency). For these reasons, this variant has been classified as Pathogenic. This variant has not been reported in the literature in individuals affected with NPC1-related conditions.

Literature cited by the submitters: PubMed 9211850.